The following is an entry in ClinVar:

ClinVar aggregate classification (germline): Uncertain significance (1 of 4 stars; one submission).

Allele frequency attached by ClinVar (database versions not stated): gnomAD exomes 0.00001.
gnomAD v4.1: 3 of 1,613,450 alleles (0.00019%); highest among the groups gnomAD compares: Non-Finnish European, 0.00025%; no homozygotes.

Submission:

Labcorp Genetics (formerly Invitae), Labcorp
Classification: Uncertain significance. Last evaluated: 2023-05-17. Review status: criteria provided, single submitter. Criteria: Invitae Variant Classification Sherloc (09022015). Collection method: clinical testing. Allele origin: germline.
Comment: In summary, the available evidence is currently insufficient to determine the role of this variant in disease. Therefore, it has been classified as a Variant of Uncertain Significance. An algorithm developed to predict the effect of missense changes on protein structure and function (PolyPhen-2) suggests that this variant is likely to be tolerated. ClinVar contains an entry for this variant (Variation ID: 1714266). This variant has not been reported in the literature in individuals affected with FAT2-related conditions. This variant is not present in population databases (gnomAD no frequency). This sequence change replaces serine, which is neutral and polar, with asparagine, which is neutral and polar, at codon 3257 of the FAT2 protein (p.Ser3257Asn).

NM_001447.3(FAT2):c.9770G>A (p.Ser3257Asn)

Genes: FAT2 (FAT atypical cadherin 2; minus strand), SLC36A1 (solute carrier family 36 member 1; plus strand). Cytogenetic location: 5q33.1.
Variant type: single nucleotide variant.
Coding change: c.9770G>A on transcript NM_001447.3 (MANE Select); coding-DNA position 9770, G replaced by A.
Protein change: p.Ser3257Asn; replaces serine 3257 with asparagine.
Molecular consequence: missense variant.
Genome position (GRCh38, 1-based): chr5:151,531,628, C>T on the plus strand (G>A on the coding strand, the complement: FAT2 is on the minus strand). VCF-style: chr5-151531628-C-T. GRCh37 (hg19) VCF-style: chr5-150911189-C-T.
Other names: short protein forms S3257N.
Identifiers: ClinVar variation 1714266 (VCV001714266.5), dbSNP rs2127591127, ClinGen allele CA361826927.